The following is an entry in ClinVar:

ClinVar aggregate classification (germline): Uncertain significance. Review status: criteria provided, multiple submitters, no conflicts (2 of 4 stars). 2 submissions from 2 submitters: Uncertain significance (2). Last evaluated 2024-07-25.

Allele frequency attached by ClinVar (database versions not stated): TOPMed below 0.00001; gnomAD 0.00001.
gnomAD v4.1: 4 of 1,613,980 alleles (0.00025%); highest among the groups gnomAD compares: African/African-American, 0.0013%; no homozygotes.

Submissions (2):

Labcorp Genetics (formerly Invitae), Labcorp
Classification: Uncertain significance. Last evaluated: 2024-07-25. Review status: criteria provided, single submitter. Criteria: Invitae Variant Classification Sherloc (09022015). Collection method: clinical testing. Allele origin: germline.
Comment: This sequence change replaces leucine, which is neutral and non-polar, with glutamine, which is neutral and polar, at codon 67 of the SEMA4A protein (p.Leu67Gln). This variant is not present in population databases (gnomAD no frequency). This variant has not been reported in the literature in individuals affected with SEMA4A-related conditions. Advanced modeling of protein sequence and biophysical properties (such as structural, functional, and spatial information, amino acid conservation, physicochemical variation, residue mobility, and thermodynamic stability) performed at Invitae indicates that this missense variant is not expected to disrupt SEMA4A protein function with a negative predictive value of 80%. In summary, the available evidence is currently insufficient to determine the role of this variant in disease. Therefore, it has been classified as a Variant of Uncertain Significance.

Blueprint Genetics
Classification: Uncertain significance. Last evaluated: 2023-10-13. Review status: criteria provided, single submitter. Criteria: ACMG Guidelines, 2015. Collection method: clinical testing. Allele origin: germline.

NM_022367.4(SEMA4A):c.200T>A (p.Leu67Gln)

Gene: SEMA4A (semaphorin 4A; plus strand). Cytogenetic location: 1q22.
Variant type: single nucleotide variant.
Coding change: c.200T>A on transcript NM_022367.4 (MANE Select); coding-DNA position 200, T replaced by A.
Protein change: p.Leu67Gln; replaces leucine 67 with glutamine.
Molecular consequence: missense variant. On other transcripts: 5 prime UTR variant (4).
Genome position (GRCh38, 1-based): chr1:156,156,474, T>A. VCF-style: chr1-156156474-T-A. GRCh37 (hg19) VCF-style: chr1-156126265-T-A.
Other names: c.200T>A, p.Leu67Gln (NM_001193300.2, NM_001193301.2, NM_001370567.1); c.-98T>A (NM_001193302.2, NM_001370568.1); c.-325T>A (NM_001370569.1, NM_001370571.1); short protein forms L67Q.
Identifiers: ClinVar variation 2989647 (VCV002989647.4), dbSNP rs1331496563, ClinGen allele CA342834586.